The following is an entry in ClinVar:

NM_001142800.2(EYS):c.6928C>A (p.Leu2310Ile)

Gene: EYS (eyes shut homolog; minus strand). Cytogenetic location: 6q12.
Variant type: single nucleotide variant.
Coding change: c.6928C>A on transcript NM_001142800.2 (MANE Select); coding-DNA position 6928, C replaced by A.
Protein change: p.Leu2310Ile; replaces leucine 2310 with isoleucine.
Molecular consequence: missense variant.
Genome position (GRCh38, 1-based): chr6:63,984,510, G>T on the plus strand (C>A on the coding strand, the complement: EYS is on the minus strand). VCF-style: chr6-63984510-G-T. GRCh37 (hg19) VCF-style: chr6-64694403-G-T.
Other names: c.6928C>A, p.Leu2310Ile (NM_001292009.2); short protein forms L2310I.
Identifiers: ClinVar variation 1487934 (VCV001487934.5), dbSNP rs1470569799, ClinGen allele CA364388746.
Genomic context (GRCh38, chr6:63,984,510, plus strand): 5'-TCTTTCCATGTCGTGCTTCATCGATGATGAAGAATTCTTTGTTGTTTACTTGAAGGTCTA[G>T]AATGCAGCCCCTGAACCCATAAACAGGACCTGCTTTCTTATGAATTTGAACATTTGCAGG-3'
Protein context (NP_001136272.1, residues 2300-2320): GPVYGFRGCI[Leu2310Ile]DLQVNNKEFF

ClinVar aggregate classification (germline): Uncertain significance (1 of 4 stars; one submission).

Allele frequency attached by ClinVar (database versions not stated): gnomAD 0.00001; gnomAD exomes 0.00001.
gnomAD v4.1: 11 of 1,549,440 alleles (0.00071%); highest among the groups gnomAD compares: South Asian, 0.006%; no homozygotes.

Submission:

Labcorp Genetics (formerly Invitae), Labcorp
Classification: Uncertain significance. Last evaluated: 2022-02-04. Review status: criteria provided, single submitter. Criteria: Invitae Variant Classification Sherloc (09022015). Collection method: clinical testing. Allele origin: germline.
Comment: This sequence change replaces leucine, which is neutral and non-polar, with isoleucine, which is neutral and non-polar, at codon 2310 of the EYS protein (p.Leu2310Ile). The frequency data for this variant in the population databases is considered unreliable, as metrics indicate poor data quality at this position in the gnomAD database. This variant has not been reported in the literature in individuals affected with EYS-related conditions. Algorithms developed to predict the effect of missense changes on protein structure and function (SIFT, PolyPhen-2, Align-GVGD) all suggest that this variant is likely to be tolerated. In summary, the available evidence is currently insufficient to determine the role of this variant in disease. Therefore, it has been classified as a Variant of Uncertain Significance.